The following is an entry in ClinVar:

ClinVar aggregate classification (germline): Likely benign. Review status: criteria provided, multiple submitters, no conflicts (2 of 4 stars). 4 submissions from 4 submitters: Likely benign (4). Last evaluated 2025-12-02.

Conditions:
Early-infantile DEE. Also called: Early infantile epileptic encephalopathy with suppression bursts; Early infantile epileptic encephalopathy; Ohtahara syndrome. Identifiers: Orphanet 1934, MedGen C0393706, MONDO:0800491.

Allele frequency attached by ClinVar (database versions not stated): gnomAD 0.00002; gnomAD exomes 0.00002 and 0.00003; TOPMed 0.00002; ExAC 0.00005.
gnomAD v4.1: 37 of 1,610,896 alleles (0.0023%); highest among the groups gnomAD compares: Middle Eastern, 0.033%; no homozygotes.

Submissions (4):

Labcorp Genetics (formerly Invitae), Labcorp
Classification: Likely benign for Early-infantile DEE. Last evaluated: 2025-12-02. Review status: criteria provided, single submitter. Criteria: Invitae Variant Classification Sherloc (09022015). Collection method: clinical testing. Allele origin: germline.

CeGaT Center for Human Genetics Tuebingen
Classification: Likely benign. Last evaluated: 2024-12-01. Review status: criteria provided, single submitter. Criteria: CeGaT Center For Human Genetics Tuebingen Variant Classification Criteria Version 2. Collection method: clinical testing. Allele origin: germline. Affected: yes. Observed: 1 variant allele.
Comment: SCN1A: BP4, BP7

Women's Health and Genetics/Laboratory Corporation of America, LabCorp
Classification: Likely benign. Last evaluated: 2024-09-09. Review status: criteria provided, single submitter. Criteria: LabCorp Variant Classification Summary - May 2015. Collection method: clinical testing. Allele origin: germline.

GeneDx
Classification: Likely benign. Last evaluated: 2020-06-02. Review status: criteria provided, single submitter. Criteria: GeneDx Variant Classification Process June 2021. Collection method: clinical testing. Allele origin: germline. Affected: yes.

NM_001165963.4(SCN1A):c.2577T>C (p.Arg859=)

Gene: SCN1A (sodium voltage-gated channel alpha subunit 1; minus strand). Cytogenetic location: 2q24.3.
Variant type: single nucleotide variant.
Coding change: c.2577T>C on transcript NM_001165963.4 (MANE Select); coding-DNA position 2577, T replaced by C.
Protein change: p.Arg859=; no amino-acid change (arginine 859 retained).
Molecular consequence: synonymous variant. On other transcripts: non-coding transcript variant (1).
Genome position (GRCh38, 1-based): chr2:166,039,435, A>G on the plus strand (T>C on the coding strand, the complement: SCN1A is on the minus strand). VCF-style: chr2-166039435-A-G. GRCh37 (hg19) VCF-style: chr2-166895945-A-G.
Other names: c.2493T>C, p.Arg831= (NM_001165964.3, NM_001353957.2, NM_001353958.2); c.2577T>C, p.Arg859= (NM_001202435.3, NM_001353948.2); c.2544T>C, p.Arg848= (NM_001353949.2, NM_001353950.2, NM_001353951.2 and 2 more transcripts); c.2541T>C, p.Arg847= (NM_001353954.2, NM_001353955.2); c.2490T>C, p.Arg830= (NM_001353960.2); c.135T>C, p.Arg45= (NM_001353961.2).
Identifiers: ClinVar variation 415304 (VCV000415304.27), dbSNP rs569598595, ClinGen allele CA1943094.